The following is an entry in ClinVar:

NM_000465.4(BARD1):c.1396-11A>T

Gene: BARD1 (BRCA1 associated RING domain 1; minus strand). Cytogenetic location: 2q35.
Variant type: single nucleotide variant.
Coding change: c.1396-11A>T on transcript NM_000465.4 (MANE Select); 11 bases into the intron before coding-DNA position 1396, A replaced by T.
Molecular consequence: intron variant.
Genome position (GRCh38, 1-based): chr2:214,767,665, T>A on the plus strand (A>T on the coding strand, the complement: BARD1 is on the minus strand). VCF-style: chr2-214767665-T-A. GRCh37 (hg19) VCF-style: chr2-215632389-T-A.
Other names: c.159-15110A>T (NM_001282548.2); c.1339-11A>T (NM_001282543.2); c.216-15110A>T (NM_001282545.2); c.364+24632A>T (NM_001282549.2).
Identifiers: ClinVar variation 3378876 (VCV003378876.1).

ClinVar aggregate classification (germline): Likely benign (1 of 4 stars; one submission).

Conditions:
Familial cancer of breast. Also called: hereditary breast carcinoma; Hereditary breast cancer; BREAST CANCER, FAMILIAL. Identifiers: Orphanet 227535, MedGen C0346153, MONDO:0016419, OMIM 114480. Disease mechanism: loss of function.

Submission:

Myriad Genetics, Inc.
Classification: Likely benign for Familial cancer of breast. Last evaluated: 2024-07-25. Review status: criteria provided, single submitter. Criteria: Myriad Autosomal Dominant, Autosomal Recessive and X-Linked Classification Criteria (2023). Collection method: clinical testing. Allele origin: unknown.
Comment: This variant is considered likely benign. This variant is intronic and is not expected to impact mRNA splicing.